The following is an entry in ClinVar:

ClinVar aggregate classification (germline): Uncertain significance. Review status: criteria provided, multiple submitters, no conflicts (2 of 4 stars). 2 submissions from 2 submitters: Uncertain significance (2). Last evaluated 2026-07-27.

Conditions:
Birt-Hogg-Dube syndrome. Also called: Birt Hogg Dubé syndrome. Identifiers: Orphanet 122, MedGen C0346010, MONDO:0800444.
Hereditary cancer-predisposing syndrome. Also called: Tumor predisposition; Hereditary neoplastic syndrome; Hereditary Cancer Syndrome; Neoplastic Syndromes, Hereditary. Identifiers: Orphanet 140162, MedGen C0027672, MeSH D009386, MONDO:0015356.

Submissions (2):

Ambry Genetics
Classification: Uncertain significance for Hereditary cancer-predisposing syndrome. Last evaluated: 2026-07-27. Review status: criteria provided, single submitter. Criteria: Ambry Variant Classification Scheme 2023. Collection method: clinical testing. Allele origin: germline.
Comment: The p.K559N variant (also known as c.1677G>C), located in coding exon 11 of the FLCN gene, results from a G to C substitution at nucleotide position 1677. The lysine at codon 559 is replaced by asparagine, an amino acid with similar properties. This amino acid position is conserved. In addition, this alteration is predicted to be tolerated by in silico analysis. Based on the available evidence, the clinical significance of this variant remains unclear.

Labcorp Genetics (formerly Invitae), Labcorp
Classification: Uncertain significance for Birt-Hogg-Dube syndrome. Last evaluated: 2024-08-01. Review status: criteria provided, single submitter. Criteria: Invitae Variant Classification Sherloc (09022015). Collection method: clinical testing. Allele origin: germline.
Comment: This sequence change replaces lysine, which is basic and polar, with asparagine, which is neutral and polar, at codon 559 of the FLCN protein (p.Lys559Asn). This variant is not present in population databases (gnomAD no frequency). This variant has not been reported in the literature in individuals affected with FLCN-related conditions. Advanced modeling of protein sequence and biophysical properties (such as structural, functional, and spatial information, amino acid conservation, physicochemical variation, residue mobility, and thermodynamic stability) performed at Invitae indicates that this missense variant is not expected to disrupt FLCN protein function with a negative predictive value of 80%. In summary, the available evidence is currently insufficient to determine the role of this variant in disease. Therefore, it has been classified as a Variant of Uncertain Significance.

NM_144997.7(FLCN):c.1677G>C (p.Lys559Asn)

Gene: FLCN (folliculin; minus strand). Cytogenetic location: 17p11.2.
Variant type: single nucleotide variant.
Coding change: c.1677G>C on transcript NM_144997.7 (MANE Select); coding-DNA position 1677, G replaced by C.
Protein change: p.Lys559Asn; replaces lysine 559 with asparagine.
Molecular consequence: missense variant.
Genome position (GRCh38, 1-based): chr17:17,213,718, C>G on the plus strand (G>C on the coding strand, the complement: FLCN is on the minus strand). VCF-style: chr17-17213718-C-G. GRCh37 (hg19) VCF-style: chr17-17117032-C-G.
Other names: c.1731G>C, p.Lys577Asn (NM_001353229.2); c.1677G>C, p.Lys559Asn (NM_001353230.2, NM_001353231.2); short protein forms K577N, K559N.
Identifiers: ClinVar variation 3642441 (VCV003642441.3).